The following is an entry in ClinVar:

NM_000275.3(OCA2):c.1267T>C (p.Trp423Arg)

Gene: OCA2 (OCA2 melanosomal transmembrane protein; minus strand). Cytogenetic location: 15q13.1.
Variant type: single nucleotide variant.
Coding change: c.1267T>C on transcript NM_000275.3 (MANE Select); coding-DNA position 1267, T replaced by C.
Protein change: p.Trp423Arg; replaces tryptophan 423 with arginine.
Molecular consequence: missense variant.
Genome position (GRCh38, 1-based): chr15:27,985,161, A>G on the plus strand (T>C on the coding strand, the complement: OCA2 is on the minus strand). VCF-style: chr15-27985161-A-G. GRCh37 (hg19) VCF-style: chr15-28230307-A-G.
Other names: c.1195T>C, p.Trp399Arg (NM_001300984.2); short protein forms W399R, W423R.
Identifiers: ClinVar variation 2095191 (VCV002095191.1), dbSNP rs2548345646, ClinGen allele CA391360690.
Genomic context (GRCh38, chr15:27,985,161, plus strand): 5'-CGTTGTCCAAGAAGGCAGAGAGGACGGCCGCGATGAGACAGAGCATGATGATCATGGCCC[A>G]CACCCGTCCCCGGGAGAGCCGGTATGCCTGGCCACACACACACAGAGAGAGTACAAGCCA-3'
Protein context (NP_000266.2, residues 413-433): KAYRLSRGRV[Trp423Arg]AMIIMLCLIA

ClinVar aggregate classification (germline): Uncertain significance (1 of 4 stars; one submission).

Allele frequency attached by ClinVar (database versions not stated): gnomAD exomes below 0.00001.
gnomAD v4.1: 1 of 1,613,882 alleles (0.000062%); highest among the groups gnomAD compares: Non-Finnish European, 0.000085%; no homozygotes.

Submission:

Labcorp Genetics (formerly Invitae), Labcorp
Classification: Uncertain significance. Last evaluated: 2022-02-08. Review status: criteria provided, single submitter. Criteria: Invitae Variant Classification Sherloc (09022015). Collection method: clinical testing. Allele origin: germline.
Comment: This sequence change replaces tryptophan, which is neutral and slightly polar, with arginine, which is basic and polar, at codon 423 of the OCA2 protein (p.Trp423Arg). This variant is not present in population databases (gnomAD no frequency). This variant has not been reported in the literature in individuals affected with OCA2-related conditions. Advanced modeling of protein sequence and biophysical properties (such as structural, functional, and spatial information, amino acid conservation, physicochemical variation, residue mobility, and thermodynamic stability) performed at Invitae indicates that this missense variant is expected to disrupt OCA2 protein function. In summary, the available evidence is currently insufficient to determine the role of this variant in disease. Therefore, it has been classified as a Variant of Uncertain Significance.